The following is an entry in ClinVar:

ClinVar aggregate classification (germline): Likely pathogenic (1 of 4 stars; one submission).

Conditions:
Autosomal recessive polycystic kidney disease (ARPKD). Also called: AR polycystic kidney disease. Identifiers: Orphanet 731, Orphanet 8378, MedGen C0085548, MeSH D017044, MONDO:0009889.

Submission:

Natera, Inc.
Classification: Likely pathogenic for Autosomal recessive polycystic kidney disease. Last evaluated: 2025-08-06. Review status: criteria provided, single submitter. Criteria: Natera Variant Classification Schema (03/2026). Collection method: clinical testing. Allele origin: germline.
Comment: The c.3703_3716delCGGTCCTGTGACAT variant in PKHD1 is a frameshift variant predicted to shift the reading frame beginning at codon 1235 and leads to a stop codon 11 codons downstream. This variant is expected to result in nonsense mediated decay, truncation, or a dysfunctional protein product. This variant is rare in the general population with a frequency below the threshold expected for the associated phenotype(s). Given the available evidence, this variant is classified as Likely Pathogenic.

NM_138694.4(PKHD1):c.3703_3716del (p.Arg1235fs)

Gene: PKHD1 (PKHD1 ciliary IPT domain containing fibrocystin/polyductin; minus strand). Cytogenetic location: 6p12.2.
Variant type: Deletion.
Coding change: c.3703_3716del on transcript NM_138694.4 (MANE Select); coding-DNA positions 3703 to 3716, 14 bases deleted (CGGTCCTGTGACAT).
Protein change: p.Arg1235fs; shifts the reading frame from arginine 1235.
Molecular consequence: frameshift variant.
Genome position (GRCh38, 1-based): chr6:52,026,094-52,026,107, ATGTCACAGGACCG deleted on the plus strand (CGGTCCTGTGACAT on the coding strand, the reverse complement: PKHD1 is on the minus strand); deleting any 14 consecutive bases within chr6:52,026,094-52,026,109 gives the same sequence; the c. name uses the placement nearest the transcript's 3' end. VCF-style (leftmost placement, unchanged base first): chr6-52026093-AATGTCACAGGACCG-A. GRCh37 (hg19) VCF-style: chr6-51890891-AATGTCACAGGACCG-A.
Other names: c.3703_3716del, p.Arg1235fs (NM_170724.3); short protein forms R1235fs.
Identifiers: ClinVar variation 4816642 (VCV004816642.1).